The following is an entry in ClinVar:

ClinVar aggregate classification (germline): Uncertain significance (1 of 4 stars; one submission).

Conditions:
Idiopathic generalized epilepsy. Also called: EIG; Generalised epilepsy. Identifiers: MedGen C0270850, MONDO:0005579, OMIM 600669.

Submission:

Labcorp Genetics (formerly Invitae), Labcorp
Classification: Uncertain significance for Idiopathic generalized epilepsy. Last evaluated: 2022-08-22. Review status: criteria provided, single submitter. Criteria: Invitae Variant Classification Sherloc (09022015). Collection method: clinical testing. Allele origin: germline.
Comment: In summary, the available evidence is currently insufficient to determine the role of this variant in disease. Therefore, it has been classified as a Variant of Uncertain Significance. This variant has not been reported in the literature in individuals affected with RBFOX1-related conditions. This variant is a gross deletion of the genomic region encompassing exon(s) 1-2 of the RBFOX1 gene, which includes the initiator codon. This deletion extends beyond the assayed region for this gene and therefore may encompass additional genes. It is expected to result in an absent or disrupted protein product. However, the current clinical and genetic evidence is not sufficient to establish whether loss-of-function variants in RBFOX1 cause disease.

NC_000016.9:g.(?_7383003)_(7568411_?)del

Gene: RBFOX1 (RNA binding fox-1 homolog 1; plus strand). Cytogenetic location: 16p13.3.
Variant type: Deletion.
Identifiers: ClinVar variation 1434533 (VCV001434533.6).